The following is an entry in ClinVar:

ClinVar aggregate classification (germline): Uncertain significance (1 of 4 stars; one submission).

Conditions:
Dilated cardiomyopathy 1II (CMD1II). Identifiers: Orphanet 154, MedGen C3554649, MONDO:0014073, OMIM 615184.

gnomAD v4.1: 1 of 1,612,790 alleles (0.000062%); highest among the groups gnomAD compares: Admixed American, 0.0017%; no homozygotes.

Submission:

Labcorp Genetics (formerly Invitae), Labcorp
Classification: Uncertain significance for Dilated cardiomyopathy 1II. Last evaluated: 2024-10-31. Review status: criteria provided, single submitter. Criteria: Invitae Variant Classification Sherloc (09022015). Collection method: clinical testing. Allele origin: germline.
Comment: This sequence change replaces aspartic acid, which is acidic and polar, with glycine, which is neutral and non-polar, at codon 36 of the CRYAB protein (p.Asp36Gly). The frequency data for this variant in the population databases is considered unreliable, as metrics indicate poor data quality at this position in the gnomAD database. This variant has not been reported in the literature in individuals affected with CRYAB-related conditions. An algorithm developed to predict the effect of missense changes on protein structure and function (PolyPhen-2) suggests that this variant is likely to be disruptive. In summary, the available evidence is currently insufficient to determine the role of this variant in disease. Therefore, it has been classified as a Variant of Uncertain Significance.

NM_001289808.2(CRYAB):c.107A>G (p.Asp36Gly)

Gene: CRYAB (crystallin alpha B; minus strand). Cytogenetic location: 11q23.1.
Variant type: single nucleotide variant.
Coding change: c.107A>G on transcript NM_001289808.2 (MANE Select); coding-DNA position 107, A replaced by G.
Protein change: p.Asp36Gly; replaces aspartic acid 36 with glycine.
Molecular consequence: missense variant.
Genome position (GRCh38, 1-based): chr11:111,911,618, T>C on the plus strand (A>G on the coding strand, the complement: CRYAB is on the minus strand). VCF-style: chr11-111911618-T-C. GRCh37 (hg19) VCF-style: chr11-111782342-T-C.
Other names: c.107A>G, p.Asp36Gly (NM_001289807.1, NM_001368245.1, NM_001885.3); short protein forms D36G.
Identifiers: ClinVar variation 3671493 (VCV003671493.2).
Genomic context (GRCh38, chr11:111,911,618, plus strand): 5'-CGCAGGAAGGAGGGTGGCCGAAGGTAGAAGGGACTCAGGGAAGTAGACGTCGGGAAAAGA[T>C]CAGACTCCAACAGGTGCTCTCCGAAGAACTGGTCAAAGAGGCGGCTGGGGGAGTGGAAAG-3'
Protein context (NP_001276737.1, residues 26-46): QFFGEHLLES[Asp36Gly]LFPTSTSLSP